The following is an entry in ClinVar:

ClinVar aggregate classification (germline): Conflicting classifications of pathogenicity. Review status: criteria provided, conflicting classifications (1 of 4 stars). 3 submissions from 3 submitters: Uncertain significance (2); Likely benign (1). Last evaluated 2024-10-31.

Conditions:
Leukocyte adhesion deficiency 1 (LAD1). Also called: LEUKOCYTE ADHESION DEFICIENCY, TYPE I; LAD 1; Lymphocyte function-associated antigen 1 immunodeficiency; LFA 1 immunodeficiency. Identifiers: Orphanet 2968, Orphanet 99842, MedGen C0398738, MONDO:0007293, OMIM 116920.

Allele frequency attached by ClinVar (database versions not stated): gnomAD 0.00001 and 0.00003; gnomAD exomes 0.00001 and 0.00007; TOPMed 0.00002; ExAC 0.00008; 1000 Genomes Project 30x 0.00031; 1000 Genomes Project 0.00040.
gnomAD v4.1: 24 of 1,613,318 alleles (0.0015%); highest among the groups gnomAD compares: East Asian, 0.049%; no homozygotes.

Submissions (3):

Blueprint Genetics
Classification: Likely benign. Last evaluated: 2024-10-31. Review status: criteria provided, single submitter. Criteria: ACMG Guidelines, 2015. Collection method: clinical testing. Allele origin: germline.

Labcorp Genetics (formerly Invitae), Labcorp
Classification: Uncertain significance for Leukocyte adhesion deficiency 1. Last evaluated: 2021-08-31. Review status: criteria provided, single submitter. Criteria: Invitae Variant Classification Sherloc (09022015). Collection method: clinical testing. Allele origin: germline.
Comment: This sequence change replaces tyrosine with histidine at codon 544 of the ITGB2 protein (p.Tyr544His). The tyrosine residue is highly conserved and there is a moderate physicochemical difference between tyrosine and histidine. This variant is present in population databases (rs201703437, ExAC 0.1%). This variant has not been reported in the literature in individuals affected with ITGB2-related conditions. Algorithms developed to predict the effect of missense changes on protein structure and function output the following: SIFT: "Deleterious"; PolyPhen-2: "Benign"; Align-GVGD: "Class C65". The histidine amino acid residue is found in multiple mammalian species, which suggests that this missense change does not adversely affect protein function. In summary, the available evidence is currently insufficient to determine the role of this variant in disease. Therefore, it has been classified as a Variant of Uncertain Significance.

Illumina Laboratory Services, Illumina
Classification: Uncertain significance for Leukocyte adhesion deficiency 1. Last evaluated: 2018-01-12. Review status: criteria provided, single submitter. Criteria: ICSL Variant Classification Criteria 13 December 2019. Collection method: clinical testing. Allele origin: germline.

NM_000211.5(ITGB2):c.1630T>C (p.Tyr544His)

Gene: ITGB2 (integrin subunit beta 2; minus strand). Cytogenetic location: 21q22.3.
Variant type: single nucleotide variant.
Coding change: c.1630T>C on transcript NM_000211.5 (MANE Select); coding-DNA position 1630, T replaced by C.
Protein change: p.Tyr544His; replaces tyrosine 544 with histidine.
Molecular consequence: missense variant.
Genome position (GRCh38, 1-based): chr21:44,890,005, A>G on the plus strand (T>C on the coding strand, the complement: ITGB2 is on the minus strand). VCF-style: chr21-44890005-A-G. GRCh37 (hg19) VCF-style: chr21-46309920-A-G.
Other names: c.1630T>C, p.Tyr544His (NM_001127491.3); c.1423T>C, p.Tyr475His (NM_001303238.2); short protein forms Y544H, Y475H.
Identifiers: ClinVar variation 896240 (VCV000896240.7), dbSNP rs201703437, ClinGen allele CA10062771.
Genomic context (GRCh38, chr21:44,890,005, plus strand): 5'-CGGCCGTTGTCCAGCAGGGACCCACGGGCTCACCCGGGCCGCCGCAGACCTGGCCGTTGT[A>G]GCGCTCACAGTTGATGGTGTCACACTCGCAGTACTGCCCGTATATCAGCTTGCCGGGGAC-3'
Protein context (NP_000202.3, residues 534-554): CECDTINCER[Tyr544His]NGQVCGGPGR